The following is an entry in ClinVar:

NM_001127649.3(PEX26):c.9C>T (p.Ser3=)

Genes: PEX26 (peroxisomal biogenesis factor 26; plus strand), LOC130066940 (ATAC-STARR-seq lymphoblastoid silent region 13448; plus strand). Cytogenetic location: 22q11.21.
Variant type: single nucleotide variant.
Coding change: c.9C>T on transcript NM_001127649.3 (MANE Select); coding-DNA position 9, C replaced by T.
Protein change: p.Ser3=; no amino-acid change (serine 3 retained).
Molecular consequence: synonymous variant.
Genome position (GRCh38, 1-based): chr22:18,078,385, C>T. VCF-style: chr22-18078385-C-T. GRCh37 (hg19) VCF-style: chr22-18561151-C-T.
Other names: c.9C>T, p.Ser3= (NM_001199319.2, NM_017929.6).
Identifiers: ClinVar variation 3048331 (VCV003048331.2), dbSNP rs984532105, ClinGen allele CA321284197.

ClinVar aggregate classification (germline): Likely benign (0 of 4 stars; one submission).

Conditions:
PEX26-related disorder. Also called: PEX26-related condition.

Submission:

PreventionGenetics, part of Exact Sciences
Classification: Likely benign for PEX26-related condition. Last evaluated: 2022-03-03. Review status: no assertion criteria provided. Collection method: clinical testing. Allele origin: germline.
Comment: This variant is classified as likely benign based on ACMG/AMP sequence variant interpretation guidelines (Richards et al. 2015 PMID: 25741868, with internal and published modifications).